The following is an entry in ClinVar:

ClinVar aggregate classification (germline): Uncertain significance. Review status: criteria provided, multiple submitters, no conflicts (2 of 4 stars). 2 submissions from 2 submitters: Uncertain significance (2). Last evaluated 2024-05-10.

Conditions:
Inborn genetic diseases. Identifiers: MedGen C0950123, MeSH D030342.
Propionic acidemia (PROP). Also called: GLYCINEMIA, KETOTIC; HYPERGLYCINEMIA WITH KETOACIDOSIS AND LEUKOPENIA; KETOTIC HYPERGLYCINEMIA. Identifiers: Orphanet 35, MedGen C0268579, MONDO:0011628, OMIM 606054, HP:0003571.

Allele frequency attached by ClinVar (database versions not stated): gnomAD exomes below 0.00001.
gnomAD v4.1: 2 of 1,614,000 alleles (0.00012%); highest among the groups gnomAD compares: Non-Finnish European, 0.00017%; no homozygotes.

Submissions (2):

Labcorp Genetics (formerly Invitae), Labcorp
Classification: Uncertain significance for Propionic acidemia. Last evaluated: 2024-05-10. Review status: criteria provided, single submitter. Criteria: Invitae Variant Classification Sherloc (09022015). Collection method: clinical testing. Allele origin: germline.
Comment: This sequence change replaces aspartic acid, which is acidic and polar, with valine, which is neutral and non-polar, at codon 266 of the PCCB protein (p.Asp266Val). This variant is not present in population databases (gnomAD no frequency). This variant has not been reported in the literature in individuals affected with PCCB-related conditions. ClinVar contains an entry for this variant (Variation ID: 2245140). Advanced modeling of protein sequence and biophysical properties (such as structural, functional, and spatial information, amino acid conservation, physicochemical variation, residue mobility, and thermodynamic stability) performed at Invitae indicates that this missense variant is not expected to disrupt PCCB protein function with a negative predictive value of 80%. In summary, the available evidence is currently insufficient to determine the role of this variant in disease. Therefore, it has been classified as a Variant of Uncertain Significance.

Ambry Genetics
Classification: Uncertain significance for Inborn genetic diseases. Last evaluated: 2021-08-13. Review status: criteria provided, single submitter. Criteria: Ambry Variant Classification Scheme 2023. Collection method: clinical testing. Allele origin: germline.

NM_000532.5(PCCB):c.797A>T (p.Asp266Val)

Gene: PCCB (propionyl-CoA carboxylase subunit beta; plus strand). Cytogenetic location: 3q22.3.
Variant type: single nucleotide variant.
Coding change: c.797A>T on transcript NM_000532.5 (MANE Select); coding-DNA position 797, A replaced by T.
Protein change: p.Asp266Val; replaces aspartic acid 266 with valine.
Molecular consequence: missense variant.
Genome position (GRCh38, 1-based): chr3:136,297,985, A>T. VCF-style: chr3-136297985-A-T. GRCh37 (hg19) VCF-style: chr3-136016827-A-T.
Other names: c.857A>T, p.Asp286Val (NM_001178014.2); short protein forms D286V, D266V.
Identifiers: ClinVar variation 2245140 (VCV002245140.3), dbSNP rs2529877373, ClinGen allele CA354644525.